The following is an entry in ClinVar:

NM_007118.4(TRIO):c.5921T>C (p.Leu1974Ser)

Gene: TRIO (trio Rho guanine nucleotide exchange factor; plus strand). Cytogenetic location: 5p15.2.
Variant type: single nucleotide variant.
Coding change: c.5921T>C on transcript NM_007118.4 (MANE Select); coding-DNA position 5921, T replaced by C.
Protein change: p.Leu1974Ser; replaces leucine 1974 with serine.
Molecular consequence: missense variant. On other transcripts: non-coding transcript variant (1).
Genome position (GRCh38, 1-based): chr5:14,472,600, T>C. VCF-style: chr5-14472600-T-C. GRCh37 (hg19) VCF-style: chr5-14472709-T-C.
Other names: short protein forms L1974S.
Identifiers: ClinVar variation 3376280 (VCV003376280.1).

ClinVar aggregate classification (germline): Uncertain significance (1 of 4 stars; one submission).

Conditions:
Intellectual developmental disorder, autosomal dominant 44, with microcephaly. Also called: TRIO-Related Intellectual Disability; Micrognathia-recurrent infections-behavioral abnormalities-mild intellectual disability syndrome. Identifiers: Orphanet 476126, MedGen C4310740, MONDO:0014892, OMIM 617061.

Submission:

Pittsburgh Clinical Genomics Laboratory, University of Pittsburgh Medical Center
Classification: Uncertain significance for Intellectual developmental disorder, autosomal dominant 44, with microcephaly. Last evaluated: 2023-05-08. Review status: criteria provided, single submitter. Criteria: ACMG Guidelines, 2015. Collection method: clinical testing. Allele origin: germline. Inheritance: Autosomal dominant inheritance. Affected: yes.
Comment: This sequence variant is a single nucleotide substitution (T>C) at position 5921 of the coding sequence of the TRIO gene that results in a leucine to serine amino acid change at residue 1974 of the trio Rho guanine nucleotide exchange factor protein. The 1974 residue falls in the double homology 2 domain which is critical to trio Rho guanine nucleotide exchange factor role in coorditing cytoskeletal function (PMID: 30850274). This novel variant is absent from a database of clinically annotated variants (ClinVar) and the gnomAD population database (0 of approximately 250,000 alleles). To our knowledge, this variant has not been observed in an individual affected by a TRIO-related disorder in the published literature. Multiple bioinformatic tools predict that this Leu to Ser amino acid change would be damaging, and the Leu1974 residue at this position is highly conserved across the vertebrate species examined. Studies examining the functiol consequence of this variant have not been published, to our knowledge. Based upon the evidence, we consider this to be a variant of uncertain significance. ACMG Criteria: PM2, PP3

Literature cited by the submitters: PubMed 30850274.